The following is an entry in ClinVar:

NM_006390.4(IPO8):c.2650C>G (p.Arg884Gly)

Gene: IPO8 (importin 8; minus strand). Cytogenetic location: 12p11.21.
Variant type: single nucleotide variant.
Coding change: c.2650C>G on transcript NM_006390.4 (MANE Select); coding-DNA position 2650, C replaced by G.
Protein change: p.Arg884Gly; replaces arginine 884 with glycine.
Molecular consequence: missense variant.
Genome position (GRCh38, 1-based): chr12:30,637,027, G>C on the plus strand (C>G on the coding strand, the complement: IPO8 is on the minus strand). VCF-style: chr12-30637027-G-C. GRCh37 (hg19) VCF-style: chr12-30789961-G-C.
Other names: c.2035C>G, p.Arg679Gly (NM_001190995.2); short protein forms R679G, R884G.
Identifiers: ClinVar variation 2410740 (VCV002410740.3), dbSNP rs376809979, ClinGen allele CA6498605.
Genomic context (GRCh38, chr12:30,637,027, plus strand): 5'-ATTAGAAGACTTTACCATTTTCTTCCATATCAGCTTTCTCTGCTTTTGAACGATCTTCCC[G>C]GTTTACCAGTTGTCTAGTAGCACAGACCTGCTTTAGGCCAAGGAAAAGGAAAAGAATTGA-3'
Protein context (NP_006381.2, residues 874-894): QVCATRQLVN[Arg884Gly]EDRSKAEKAD

ClinVar aggregate classification (germline): Uncertain significance. Review status: criteria provided, multiple submitters, no conflicts (2 of 4 stars). 2 submissions from 2 submitters: Uncertain significance (2). Last evaluated 2026-08-01.

Conditions:
Inborn genetic diseases. Identifiers: MedGen C0950123, MeSH D030342.

gnomAD v4.1: 54 of 1,613,784 alleles (0.0033%); highest among the groups gnomAD compares: Non-Finnish European, 0.0045%; no homozygotes.

Submissions (2):

CeGaT Center for Human Genetics Tuebingen
Classification: Uncertain significance. Last evaluated: 2026-08-01. Review status: criteria provided, single submitter. Criteria: CeGaT Center For Human Genetics Tuebingen Variant Classification Criteria Version 2. Collection method: clinical testing. Allele origin: germline. Affected: yes. Observed: 1 variant allele.
Comment: IPO8: PM2, BP4

Ambry Genetics
Classification: Uncertain significance for Inborn genetic diseases. Last evaluated: 2022-11-19. Review status: criteria provided, single submitter. Criteria: Ambry Variant Classification Scheme 2023. Collection method: clinical testing. Allele origin: germline.